The following is an entry in ClinVar:

ClinVar aggregate classification (germline): Benign/Likely benign. Review status: criteria provided, multiple submitters, no conflicts (2 of 4 stars). 3 submissions from 3 submitters: Benign (1); Likely benign (2). Last evaluated 2025-02-25.

Conditions:
Hereditary cancer-predisposing syndrome. Also called: Hereditary Cancer Syndrome; Neoplastic Syndromes, Hereditary; Hereditary neoplastic syndrome; Tumor predisposition. Identifiers: Orphanet 140162, MedGen C0027672, MeSH D009386, MONDO:0015356.
Breast-ovarian cancer, familial, susceptibility to, 4. Identifiers: Orphanet 145, MedGen C3280345, MONDO:0013669, OMIM 614291.

Allele frequency attached by ClinVar (database versions not stated): gnomAD exomes below 0.00001; ExAC 0.00001; gnomAD 0.00001; TOPMed 0.00001; ESP Exome Variant Server 0.00008.
gnomAD v4.1: 3 of 1,613,792 alleles (0.00019%); highest among the groups gnomAD compares: African/African-American, 0.004%; no homozygotes.

Submissions (3):

Myriad Genetics, Inc.
Classification: Benign for Breast-ovarian cancer, familial, susceptibility to, 4. Last evaluated: 2025-02-25. Review status: criteria provided, single submitter. Criteria: Myriad Autosomal Dominant, Autosomal Recessive and X-Linked Classification Criteria (2023). Collection method: clinical testing. Allele origin: unknown.
Comment: This variant is considered benign. This variant is a silent/synonymous amino acid change and it is not expected to impact splicing.

Labcorp Genetics (formerly Invitae), Labcorp
Classification: Likely benign for Breast-ovarian cancer, familial, susceptibility to, 4. Last evaluated: 2023-07-15. Review status: criteria provided, single submitter. Criteria: Invitae Variant Classification Sherloc (09022015). Collection method: clinical testing. Allele origin: germline.

Ambry Genetics
Classification: Likely benign for Hereditary cancer-predisposing syndrome. Last evaluated: 2020-03-06. Review status: criteria provided, single submitter. Criteria: Ambry Variant Classification Scheme 2023. Collection method: clinical testing. Allele origin: germline.

NM_002878.4(RAD51D):c.939C>G (p.Thr313=)

Genes: RAD51D (RAD51 paralog D; minus strand), RAD51L3-RFFL (RAD51L3-RFFL readthrough; minus strand). Cytogenetic location: 17q12.
Variant type: single nucleotide variant.
Coding change: c.939C>G on transcript NM_002878.4 (MANE Select); coding-DNA position 939, C replaced by G.
Protein change: p.Thr313=; no amino-acid change (threonine 313 retained).
Molecular consequence: synonymous variant. On other transcripts: non-coding transcript variant (2).
Genome position (GRCh38, 1-based): chr17:35,101,001, G>C on the plus strand (C>G on the coding strand, the complement: RAD51D is on the minus strand). VCF-style: chr17-35101001-G-C. GRCh37 (hg19) VCF-style: chr17-33428020-G-C.
Other names: c.999C>G, p.Thr333= (NM_001142571.2); c.603C>G, p.Thr201= (NM_133629.3).
Identifiers: ClinVar variation 1140247 (VCV001140247.10), dbSNP rs374318553, ClinGen allele CA8499307.